The following is an entry in ClinVar:

NM_004859.4(CLTC):c.3818G>A (p.Gly1273Glu)

Gene: CLTC (clathrin heavy chain; plus strand). Cytogenetic location: 17q23.1.
Variant type: single nucleotide variant.
Coding change: c.3818G>A on transcript NM_004859.4 (MANE Select); coding-DNA position 3818, G replaced by A.
Protein change: p.Gly1273Glu; replaces glycine 1273 with glutamic acid.
Molecular consequence: missense variant.
Genome position (GRCh38, 1-based): chr17:59,682,959, G>A. VCF-style: chr17-59682959-G-A. GRCh37 (hg19) VCF-style: chr17-57760320-G-A.
Other names: c.3830G>A, p.Gly1277Glu (NM_001288653.2); short protein forms G1273E, G1277E.
Identifiers: ClinVar variation 1993303 (VCV001993303.4), dbSNP rs2509153869, ClinGen allele CA400419182.

ClinVar aggregate classification (germline): Uncertain significance (1 of 4 stars; one submission).

Submission:

Labcorp Genetics (formerly Invitae), Labcorp
Classification: Uncertain significance. Last evaluated: 2022-05-12. Review status: criteria provided, single submitter. Criteria: Invitae Variant Classification Sherloc (09022015). Collection method: clinical testing. Allele origin: germline.
Comment: Algorithms developed to predict the effect of missense changes on protein structure and function are either unavailable or do not agree on the potential impact of this missense change (SIFT: "Deleterious"; PolyPhen-2: "Not Available"; Align-GVGD: "Class C0"). This variant has not been reported in the literature in individuals affected with CLTC-related conditions. This variant is not present in population databases (gnomAD no frequency). This sequence change replaces glycine, which is neutral and non-polar, with glutamic acid, which is acidic and polar, at codon 1277 of the CLTC protein (p.Gly1277Glu). In summary, the available evidence is currently insufficient to determine the role of this variant in disease. Therefore, it has been classified as a Variant of Uncertain Significance.